The following is an entry in ClinVar:

ClinVar aggregate classification (germline): Uncertain significance (1 of 4 stars; one submission).

Conditions:
Baller-Gerold syndrome (BGS). Also called: CRANIOSYNOSTOSIS WITH RADIAL DEFECTS. Identifiers: Orphanet 1225, MedGen C0265308, MONDO:0009039, OMIM 218600.

Submission:

Labcorp Genetics (formerly Invitae), Labcorp
Classification: Uncertain significance for Baller-Gerold syndrome. Last evaluated: 2018-10-05. Review status: criteria provided, single submitter. Criteria: Invitae Variant Classification Sherloc (09022015). Collection method: clinical testing. Allele origin: germline.
Comment: This sequence change replaces proline with alanine at codon 891 of the RECQL4 protein (p.Pro891Ala). The proline residue is moderately conserved and there is a small physicochemical difference between proline and alanine. This variant is not present in population databases (ExAC no frequency). This variant has not been reported in the literature in individuals with RECQL4-related disease. Algorithms developed to predict the effect of missense changes on protein structure and function (SIFT, PolyPhen-2, Align-GVGD) all suggest that this variant is likely to be tolerated, but these predictions have not been confirmed by published functional studies and their clinical significance is uncertain. In summary, the available evidence is currently insufficient to determine the role of this variant in disease. Therefore, it has been classified as a Variant of Uncertain Significance.

NM_004260.4(RECQL4):c.2671C>G (p.Pro891Ala)

Gene: RECQL4 (RecQ like helicase 4; minus strand). Cytogenetic location: 8q24.3.
Variant type: single nucleotide variant.
Coding change: c.2671C>G on transcript NM_004260.4 (MANE Select); coding-DNA position 2671, C replaced by G.
Protein change: p.Pro891Ala; replaces proline 891 with alanine.
Molecular consequence: missense variant.
Genome position (GRCh38, 1-based): chr8:144,512,931, G>C on the plus strand (C>G on the coding strand, the complement: RECQL4 is on the minus strand). VCF-style: chr8-144512931-G-C. GRCh37 (hg19) VCF-style: chr8-145738314-G-C.
Other names: short protein forms P891A.
Identifiers: ClinVar variation 645955 (VCV000645955.4), dbSNP rs757175211, ClinGen allele CA372675423.
Genomic context (GRCh38, chr8:144,512,931, plus strand): 5'-GTACGGTAAGCTGTATTGGGAGTGCCCGCTCATGGCCCATGCAGACCCTTCTGGGTCCTG[G>C]GGCTGCTTGGTGGCTAAGCTGCTCAGCCTCTTGAGGGGGGTACTTGGGCACAGGCCTCTC-3'
Protein context (NP_004251.4, residues 881-901): EAEQLSHQAA[Pro891Ala]GPRRVCMGHE